The following is an entry in ClinVar:

NM_144670.6(A2ML1):c.3265-3T>C

Gene: A2ML1 (alpha-2-macroglobulin like 1; plus strand). Cytogenetic location: 12p13.31.
Variant type: single nucleotide variant.
Coding change: c.3265-3T>C on transcript NM_144670.6 (MANE Select); 3 bases into the intron before coding-DNA position 3265, T replaced by C.
Molecular consequence: intron variant.
Genome position (GRCh38, 1-based): chr12:8,860,878, T>C. VCF-style: chr12-8860878-T-C. GRCh37 (hg19) VCF-style: chr12-9013474-T-C.
Other names: c.1792-3T>C (NM_001282424.3).
Identifiers: ClinVar variation 1433390 (VCV001433390.6), dbSNP rs977956433, ClinGen allele CA232698508.

ClinVar aggregate classification (germline): Uncertain significance (1 of 4 stars; one submission).

Allele frequency attached by ClinVar (database versions not stated): gnomAD exomes below 0.00001; gnomAD 0.00002; TOPMed 0.00002.
gnomAD v4.1: 5 of 1,613,968 alleles (0.00031%); highest among the groups gnomAD compares: African/African-American, 0.0067%; no homozygotes.

Submission:

Labcorp Genetics (formerly Invitae), Labcorp
Classification: Uncertain significance. Last evaluated: 2025-09-19. Review status: criteria provided, single submitter. Criteria: Invitae Variant Classification Sherloc (09022015). Collection method: clinical testing. Allele origin: germline.
Comment: This sequence change falls in intron 26 of the A2ML1 gene. It does not directly change the encoded amino acid sequence of the A2ML1 protein. It affects a nucleotide within the consensus splice site. This variant is present in population databases (no rsID available, gnomAD 0.01%). This variant has not been reported in the literature in individuals affected with A2ML1-related conditions. ClinVar contains an entry for this variant (Variation ID: 1433390). Variants that disrupt the consensus splice site are a relatively common cause of aberrant splicing (PMID: 17576681, 9536098). Algorithms developed to predict the effect of sequence changes on RNA splicing suggest that this variant is not likely to affect RNA splicing. In summary, the available evidence is currently insufficient to determine the role of this variant in disease. Therefore, it has been classified as a Variant of Uncertain Significance.

Literature cited by the submitters: PubMed 17576681; PubMed 9536098.